The following is an entry in ClinVar:

ClinVar aggregate classification (germline): Uncertain significance (1 of 4 stars; one submission).

Allele frequency attached by ClinVar (database versions not stated): gnomAD exomes below 0.00001.
gnomAD v4.1: 6 of 1,613,880 alleles (0.00037%); highest among the groups gnomAD compares: Non-Finnish European, 0.00051%; no homozygotes.

Submission:

Labcorp Genetics (formerly Invitae), Labcorp
Classification: Uncertain significance. Last evaluated: 2021-12-02. Review status: criteria provided, single submitter. Criteria: Invitae Variant Classification Sherloc (09022015). Collection method: clinical testing. Allele origin: germline.
Comment: In summary, the available evidence is currently insufficient to determine the role of this variant in disease. Therefore, it has been classified as a Variant of Uncertain Significance. Algorithms developed to predict the effect of missense changes on protein structure and function are either unavailable or do not agree on the potential impact of this missense change (SIFT: "Deleterious"; PolyPhen-2: "Possibly Damaging"; Align-GVGD: "Class C0"). This variant has not been reported in the literature in individuals affected with ITPR1-related conditions. This variant is not present in population databases (gnomAD no frequency). This sequence change replaces valine, which is neutral and non-polar, with isoleucine, which is neutral and non-polar, at codon 2397 of the ITPR1 protein (p.Val2397Ile).

NM_001378452.1(ITPR1):c.7378G>A (p.Val2460Ile)

Gene: ITPR1 (inositol 1,4,5-trisphosphate receptor type 1; plus strand). Cytogenetic location: 3p26.1.
Variant type: single nucleotide variant.
Coding change: c.7378G>A on transcript NM_001378452.1 (MANE Select); coding-DNA position 7378, G replaced by A.
Protein change: p.Val2460Ile; replaces valine 2460 with isoleucine.
Molecular consequence: missense variant.
Genome position (GRCh38, 1-based): chr3:4,811,370, G>A. VCF-style: chr3-4811370-G-A. GRCh37 (hg19) VCF-style: chr3-4853054-G-A.
Other names: c.7234G>A, p.Val2412Ile (NM_001099952.4); c.7333G>A, p.Val2445Ile (NM_001168272.2); c.7189G>A, p.Val2397Ile (NM_002222.7); short protein forms V2460I, V2397I, V2445I, V2412I.
Identifiers: ClinVar variation 1498925 (VCV001498925.8), dbSNP rs940526920, ClinGen allele CA68843184.
Genomic context (GRCh38, chr3:4,811,370, plus strand): 5'-AAAAGTGTCACTCGCAATGGACGGTCCATCATCCTGACAGCAGTTCTGGCTCTGATCCTC[G>A]TTTACCTGTTCTCAATAGTGGGCTATCTTTTCTTCAAGGATGACTTTATCTTGGAAGTAG-3'
Protein context (NP_001365381.1, residues 2450-2470): ILTAVLALIL[Val2460Ile]YLFSIVGYLF